The following is an entry in ClinVar:

ClinVar aggregate classification (germline): Uncertain significance (1 of 4 stars; one submission).

Conditions:
Familial sleep-related hypermotor epilepsy. Also called: Autosomal Dominant Sleep-Related Hypermotor (Hyperkinetic) Epilepsy. Identifiers: Orphanet 98784, MedGen C3696898, MONDO:0000030.

Allele frequency attached by ClinVar (database versions not stated): gnomAD exomes below 0.00001; gnomAD 0.00001.
gnomAD v4.1: 3 of 1,518,890 alleles (0.0002%); highest among the groups gnomAD compares: African/African-American, 0.0028%; no homozygotes.

Submission:

Labcorp Genetics (formerly Invitae), Labcorp
Classification: Uncertain significance. Last evaluated: 2023-04-18. Review status: criteria provided, single submitter. Criteria: Invitae Variant Classification Sherloc (09022015). Collection method: clinical testing. Allele origin: germline.
Comment: This sequence change replaces leucine, which is neutral and non-polar, with valine, which is neutral and non-polar, at codon 460 of the CHRNA4 protein (p.Leu460Val). In summary, the available evidence is currently insufficient to determine the role of this variant in disease. Therefore, it has been classified as a Variant of Uncertain Significance. Advanced modeling of protein sequence and biophysical properties (such as structural, functional, and spatial information, amino acid conservation, physicochemical variation, residue mobility, and thermodynamic stability) performed at Invitae indicates that this missense variant is not expected to disrupt CHRNA4 protein function. ClinVar contains an entry for this variant (Variation ID: 1381651). This variant has not been reported in the literature in individuals affected with CHRNA4-related conditions. This variant is present in population databases (no rsID available, gnomAD 0.006%).

NM_000744.7(CHRNA4):c.1378C>G (p.Leu460Val)

Gene: CHRNA4 (cholinergic receptor nicotinic alpha 4 subunit; minus strand). Cytogenetic location: 20q13.33.
Variant type: single nucleotide variant.
Coding change: c.1378C>G on transcript NM_000744.7 (MANE Select); coding-DNA position 1378, C replaced by G.
Protein change: p.Leu460Val; replaces leucine 460 with valine.
Molecular consequence: missense variant. On other transcripts: non-coding transcript variant (1).
Genome position (GRCh38, 1-based): chr20:63,350,033, G>C on the plus strand (C>G on the coding strand, the complement: CHRNA4 is on the minus strand). VCF-style: chr20-63350033-G-C. GRCh37 (hg19) VCF-style: chr20-61981385-G-C.
Other names: c.850C>G, p.Leu284Val (NM_001256573.2); short protein forms L460V, L284V.
Identifiers: ClinVar variation 1381651 (VCV001381651.6), dbSNP rs1347805541, ClinGen allele CA409633759.